The following is an entry in ClinVar:

ClinVar aggregate classification (germline): Likely benign (1 of 4 stars; one submission).

Conditions:
NCOR1-related disorder. Also called: NCOR1-related condition.

gnomAD v4.1: 69 of 1,613,674 alleles (0.0043%); highest among the groups gnomAD compares: Non-Finnish European, 0.00051%; 2 homozygotes.

Submission:

PreventionGenetics, part of Exact Sciences
Classification: Likely benign for NCOR1-related condition. Last evaluated: 2024-12-17. Review status: criteria provided, single submitter. Criteria: ACMG Guidelines, 2015. Collection method: clinical testing. Allele origin: germline.
Comment: This variant is classified as likely benign based on ACMG/AMP sequence variant interpretation guidelines (Richards et al. 2015 PMID: 25741868, with internal and published modifications).

NM_006311.4(NCOR1):c.240C>T (p.Asp80=)

Gene: NCOR1 (nuclear receptor corepressor 1; minus strand). Cytogenetic location: 17p11.2.
Variant type: single nucleotide variant.
Coding change: c.240C>T on transcript NM_006311.4 (MANE Select); coding-DNA position 240, C replaced by T.
Protein change: p.Asp80=; no amino-acid change (aspartic acid 80 retained).
Molecular consequence: synonymous variant. On other transcripts: intron variant (1).
Genome position (GRCh38, 1-based): chr17:16,186,556, G>A on the plus strand (C>T on the coding strand, the complement: NCOR1 is on the minus strand). VCF-style: chr17-16186556-G-A. GRCh37 (hg19) VCF-style: chr17-16089870-G-A.
Other names: c.240C>T, p.Asp80= (NM_001190440.2, NM_001439111.1, NM_001439112.1 and 4 more transcripts); c.108+7906C>T (NM_001190438.2).
Identifiers: ClinVar variation 4982614 (VCV004982614.1).
Genomic context (GRCh38, chr17:16,186,556, plus strand): 5'-AAACTTGTATACTTCACAATTATAATCCTAGATAGAAACATAAAAGAAACCTCATTACCT[G>A]TCAGAACCTGGGTGAAATTCTGAAAGCAAGGAAGGTCGCCTTCGAAGCTGTTGCTGCTGC-3'
Protein context (NP_006302.2, residues 70-90): SLLSEFHPGS[Asp80=]RPQERRTSYE